The following is an entry in ClinVar:

ClinVar aggregate classification (germline): Likely benign. Review status: criteria provided, multiple submitters, no conflicts (2 of 4 stars). 2 submissions from 2 submitters: Likely benign (2). Last evaluated 2018-01-13.

Conditions:
Interstitial lung disease due to ABCA3 deficiency. Also called: PULMONARY ALVEOLAR PROTEINOSIS, CONGENITAL, 3. Identifiers: Orphanet 440402, MedGen C1970456, MONDO:0012582, OMIM 610921.

Allele frequency attached by ClinVar (database versions not stated): TOPMed 0.00309; ESP Exome Variant Server 0.00314; 1000 Genomes Project 0.00339; 1000 Genomes Project 30x 0.00344; gnomAD exomes 0.00433 and 0.00444; gnomAD 0.00565 and 0.00580; ExAC 0.00724.
gnomAD v4.1: 2,455 of 510,486 alleles (0.48%); highest among the groups gnomAD compares: Non-Finnish European, 0.5%; 26 homozygotes.

Submissions (2):

Illumina Laboratory Services, Illumina
Classification: Likely benign for Interstitial lung disease due to ABCA3 deficiency. Last evaluated: 2018-01-13. Review status: criteria provided, single submitter. Criteria: ICSL Variant Classification Criteria 13 December 2019. Collection method: clinical testing. Allele origin: germline.
Comment: This variant was observed in the ICSL laboratory as part of a predisposition screen in an ostensibly healthy population. It had not been previously curated by ICSL or reported in the Human Gene Mutation Database (HGMD: prior to June 1st, 2018), and was therefore a candidate for classification through an automated scoring system. Utilizing variant allele frequency, disease prevalence and penetrance estimates, and inheritance mode, an automated score was calculated to assess if this variant is too frequent to cause the disease. Based on the score and internal cut-off values, a variant classified as likely benign is not then subjected to further curation. The score for this variant resulted in a classification of likely benign for this disease.

Breakthrough Genomics
Classification: Likely benign. Review status: criteria provided, single submitter. Criteria: ACMG Guidelines, 2015. Collection method: not provided. Allele origin: germline. Inheritance: Autosomal recessive inheritance. Affected: yes.

NM_001089.3(ABCA3):c.-182C>T

Gene: ABCA3 (ATP binding cassette subfamily A member 3; minus strand). Cytogenetic location: 16p13.3.
Variant type: single nucleotide variant.
Coding change: c.-182C>T on transcript NM_001089.3 (MANE Select); 182 bases upstream of the start codon, C replaced by T.
Molecular consequence: 5 prime UTR variant.
Genome position (GRCh38, 1-based): chr16:2,328,608, G>A on the plus strand (C>T on the coding strand, the complement: ABCA3 is on the minus strand). VCF-style: chr16-2328608-G-A. GRCh37 (hg19) VCF-style: chr16-2378609-G-A.
Identifiers: ClinVar variation 318586 (VCV000318586.6), dbSNP rs45518738, ClinGen allele CA7841897.